The following is an entry in ClinVar:

NM_006648.4(WNK2):c.705G>C (p.Glu235Asp)

Gene: WNK2 (WNK lysine deficient protein kinase 2; plus strand). Cytogenetic location: 9q22.31.
Variant type: single nucleotide variant.
Coding change: c.705G>C on transcript NM_006648.4 (MANE Select); coding-DNA position 705, G replaced by C.
Protein change: p.Glu235Asp; replaces glutamic acid 235 with aspartic acid.
Molecular consequence: missense variant.
Genome position (GRCh38, 1-based): chr9:93,229,719, G>C. VCF-style: chr9-93229719-G-C. GRCh37 (hg19) VCF-style: chr9-95992001-G-C.
Other names: c.705G>C, p.Glu235Asp (NM_001282394.3); short protein forms E235D.
Identifiers: ClinVar variation 5031819 (VCV005031819.1).
Genomic context (GRCh38, chr9:93,229,719, plus strand): 5'-CATCTCTTGCCCACTTAGCATGTCTCTTGCCCTGTAGGACCGGAAGCTCACCAAGCTGGA[G>C]CGGCAGCGGTTCAAGGAAGAGGCTGAGATGCTGAAAGGCCTGCAGCACCCCAACATCGTG-3'
Protein context (NP_006639.3, residues 225-245): ELQDRKLTKL[Glu235Asp]RQRFKEEAEM

ClinVar aggregate classification (germline): Uncertain significance (1 of 4 stars; one submission).

Submission:

Ambry Genetics
Classification: Uncertain significance. Last evaluated: 2026-07-01. Review status: criteria provided, single submitter. Criteria: Ambry Variant Classification Scheme 2023. Collection method: clinical testing. Allele origin: germline.
Comment: The p.E235D variant (also known as c.705G>C), located in coding exon 2 of the WNK2 gene, results from a G to C substitution at nucleotide position 705. The glutamic acid at codon 235 is replaced by aspartic acid, an amino acid with highly similar properties. This amino acid position is conserved. In addition, this alteration is predicted to be tolerated by in silico analysis. Based on the available evidence, the clinical significance of this variant remains unclear.